The following is an entry in ClinVar:

ClinVar aggregate classification (germline): Uncertain significance. Review status: criteria provided, multiple submitters, no conflicts (2 of 4 stars). 2 submissions from 2 submitters: Uncertain significance (2). Last evaluated 2025-11-02.

Conditions:
Café-au-lait macules with pulmonary stenosis (WTSN). Also called: PULMONIC STENOSIS WITH CAFE-AU-LAIT SPOTS. Identifiers: MedGen C0553586, MONDO:0008672, OMIM 193520.
Neurofibromatosis, familial spinal (FSNF). Identifiers: Orphanet 636, MedGen C1834235, MONDO:0008078, OMIM 162210. Disease mechanism: loss of function.
Neurofibromatosis, type 1 (NF1). Also called: Neurofibromatosis, type I; VON RECKLINGHAUSEN DISEASE; Peripheral type neurofibromatosis; NEUROFIBROMATOSIS, TYPE I, SOMATIC. Identifiers: Orphanet 636, MedGen C0027831, MONDO:0018975, OMIM 162200. Disease mechanism: loss of function.
Neurofibromatosis-Noonan syndrome (NFNS). Also called: NEUROFIBROMATOSIS WITH NOONAN PHENOTYPE. Identifiers: Orphanet 638, MedGen C2931482, MONDO:0011035, OMIM 601321. Disease mechanism: loss of function.
Juvenile myelomonocytic leukemia (JMML). Also called: LEUKEMIA, JUVENILE MYELOMONOCYTIC, SOMATIC. Identifiers: Orphanet 86834, MedGen C0349639, MONDO:0011908, OMIM 607785, HP:0012209.

Submissions (2):

Labcorp Genetics (formerly Invitae), Labcorp
Classification: Uncertain significance for Neurofibromatosis, type 1. Last evaluated: 2025-11-02. Review status: criteria provided, single submitter. Criteria: Invitae Variant Classification Sherloc (09022015). Collection method: clinical testing. Allele origin: germline.
Comment: This sequence change falls in intron 30 of the NF1 gene. It does not directly change the encoded amino acid sequence of the NF1 protein. It affects a nucleotide within the consensus splice site. This variant is not present in population databases (gnomAD no frequency). This variant has not been reported in the literature in individuals affected with NF1-related conditions. ClinVar contains an entry for this variant (Variation ID: 855216). Variants that disrupt the consensus splice site are a relatively common cause of aberrant splicing (PMID: 17576681, 9536098). Algorithms developed to predict the effect of sequence changes on RNA splicing suggest that this variant is not likely to affect RNA splicing. In summary, the available evidence is currently insufficient to determine the role of this variant in disease. Therefore, it has been classified as a Variant of Uncertain Significance.

Fulgent Genetics
Classification: Uncertain significance for Neurofibromatosis, type 1; Neurofibromatosis, familial spinal; Café-au-lait macules with pulmonary stenosis; Neurofibromatosis-Noonan syndrome; Juvenile myelomonocytic leukemia. Last evaluated: 2024-01-22. Review status: criteria provided, single submitter. Criteria: ACMG Guidelines, 2015. Collection method: clinical testing. Allele origin: germline.

Literature cited by the submitters: PubMed 17576681 (cited by Labcorp Genetics (formerly Invitae), Labcorp); PubMed 9536098 (cited by Labcorp Genetics (formerly Invitae), Labcorp).

NM_001042492.3(NF1):c.4110+6C>T

Gene: NF1 (neurofibromin 1; plus strand). Cytogenetic location: 17q11.2.
Variant type: single nucleotide variant.
Coding change: c.4110+6C>T on transcript NM_001042492.3 (MANE Select); 6 bases into the intron after coding-DNA position 4110, C replaced by T.
Molecular consequence: intron variant.
Genome position (GRCh38, 1-based): chr17:31,249,125, C>T. VCF-style: chr17-31249125-C-T. GRCh37 (hg19) VCF-style: chr17-29576143-C-T.
Other names: c.4110+6C>T (NM_000267.4).
Identifiers: ClinVar variation 855216 (VCV000855216.7), dbSNP rs2067451891, ClinGen allele CA916080645.